The following is an entry in ClinVar:

NM_133636.5(HELQ):c.1428A>C (p.Thr476=)

Gene: HELQ (helicase, POLQ like; minus strand). Cytogenetic location: 4q21.23.
Variant type: single nucleotide variant.
Coding change: c.1428A>C on transcript NM_133636.5 (MANE Select); coding-DNA position 1428, A replaced by C.
Protein change: p.Thr476=; no amino-acid change (threonine 476 retained).
Molecular consequence: synonymous variant. On other transcripts: 5 prime UTR variant (2).
Genome position (GRCh38, 1-based): chr4:83,446,051, T>G on the plus strand (A>C on the coding strand, the complement: HELQ is on the minus strand). VCF-style: chr4-83446051-T-G. GRCh37 (hg19) VCF-style: chr4-84367204-T-G.
Other names: c.1227A>C, p.Thr409= (NM_001297755.2); c.-77A>C (NM_001297756.2); c.-107A>C (NM_001297757.2).
Identifiers: ClinVar variation 3044793 (VCV003044793.2), dbSNP rs369659384, ClinGen allele CA2989761.
Genomic context (GRCh38, chr4:83,446,051, plus strand): 5'-ACCTCATTTGAAAAAATACTTACTGCTAGTGTAGAGGATTTTTGCTAGGGTCATTTCCAG[T>G]GTAGCTCCACGGCTTCCTTCACCAATCATGTGCAACTTCGAGATTTTTTTTAAAAAGGAC-3'
Protein context (NP_598375.3, residues 466-486): HMIGEGSRGA[Thr476=]LEMTLAKILY

ClinVar aggregate classification (germline): Likely benign (0 of 4 stars; one submission).

Conditions:
HELQ-related disorder. Also called: HELQ-related condition.

Allele frequency attached by ClinVar (database versions not stated): ESP Exome Variant Server 0.00008; gnomAD 0.00012; gnomAD exomes 0.00012; ExAC 0.00013; TOPMed 0.00015.
gnomAD v4.1: 198 of 1,613,402 alleles (0.012%); highest among the groups gnomAD compares: Middle Eastern, 0.099%; no homozygotes.

Submission:

PreventionGenetics, part of Exact Sciences
Classification: Likely benign for HELQ-related condition. Last evaluated: 2019-02-27. Review status: no assertion criteria provided. Collection method: clinical testing. Allele origin: germline.
Comment: This variant is classified as likely benign based on ACMG/AMP sequence variant interpretation guidelines (Richards et al. 2015 PMID: 25741868, with internal and published modifications).